The following is an entry in ClinVar:

ClinVar aggregate classification (germline): Pathogenic (1 of 4 stars; one submission).

Conditions:
Duchenne muscular dystrophy (DMD). Also called: MUSCULAR DYSTROPHY, PSEUDOHYPERTROPHIC PROGRESSIVE, DUCHENNE TYPE; Duchenne Muscular Dystrophy (DMD). Identifiers: Orphanet 98896, MedGen C0013264, MONDO:0010679, OMIM 310200.

Submission:

Labcorp Genetics (formerly Invitae), Labcorp
Classification: Pathogenic for Duchenne muscular dystrophy. Last evaluated: 2022-12-13. Review status: criteria provided, single submitter. Criteria: Invitae Variant Classification Sherloc (09022015). Collection method: clinical testing. Allele origin: unknown.
Comment: For these reasons, this variant has been classified as Pathogenic. A similar copy number variant has been observed in individual(s) with Duchenne or Becker muscular dystrophy (PMID: 21150048). This variant is a gross deletion of the genomic region encompassing exon(s) 12-16 of the DMD gene. This deletion is out-of-frame, and is expected to create a premature termination codon and result in an absent or disrupted protein product. Loss-of-function variants in DMD are known to be pathogenic (PMID: 16770791, 25007885).

Literature cited by the submitters: PubMed 21150048; PubMed 16770791; PubMed 25007885.

NC_000023.10:g.(?_32583799)_(32632590_?)del

Gene: DMD (dystrophin; minus strand). Cytogenetic location: Xp21.1.
Variant type: Deletion.
Identifiers: ClinVar variation 3244149 (VCV003244149.1).